The following is an entry in ClinVar:

NM_014727.3(KMT2B):c.5230_5233del (p.Ser1744fs)

Gene: KMT2B (lysine methyltransferase 2B; plus strand). Cytogenetic location: 19q13.12.
Variant type: Microsatellite.
Coding change: c.5230_5233del on transcript NM_014727.3 (MANE Select); coding-DNA positions 5230 to 5233, 4 bases deleted (TCTG; older notation c.5230_5233delTCTG).
Protein change: p.Ser1744fs; shifts the reading frame from serine 1744.
Molecular consequence: frameshift variant.
Genome position (GRCh38, 1-based): chr19:35,730,570-35,730,573, TCTG deleted; deleting any 4 consecutive bases within chr19:35,730,566-35,730,573 gives the same sequence; the c. name uses the placement nearest the transcript's 3' end. VCF-style (leftmost placement, unchanged base first): chr19-35730565-CTCTG-C. GRCh37 (hg19) VCF-style: chr19-36221466-CTCTG-C.
Other names: c.5230_5233del (NM_014727.2); short protein forms S1744fs.
Identifiers: ClinVar variation 1687549 (VCV001687549.27), dbSNP rs2146462970, ClinGen allele CA2580613111.

ClinVar aggregate classification (germline): Pathogenic. Review status: criteria provided, multiple submitters, no conflicts (2 of 4 stars). 4 submissions from 4 submitters: Pathogenic (4). Last evaluated 2025-04-29.

Conditions:
Dystonia 28, childhood-onset (DYT28). Also called: KMT2B-Related Dystonia (DYT-KMT2B). Identifiers: Orphanet 589618, MedGen C4310633, MONDO:0015004, OMIM 617284.

Submissions (4):

Variantyx, Inc.
Classification: Pathogenic for Dystonia 28, childhood-onset. Last evaluated: 2025-04-29. Review status: criteria provided, single submitter. Criteria: Variantyx Assertion Criteria 2022. Collection method: clinical testing. Allele origin: de novo. Inheritance: Autosomal dominant inheritance. Affected: yes.
Comment: This is a frameshift variant in the KMT2B gene (OMIM: 606834). Pathogenic variants in this gene have been associated with autosomal dominant childhood-onset dystonia 28. This variant introduces a premature termination codon in exon 25 out of 37and is expected to result in loss of function, which is a known disease mechanism for KMT2B in this disorder (PMID: 32634684, 27839873) (PVS1). This variant has been reported in at least one affected individuals (PMID:¬†33150406) (PS4), while it is absent from control populations (PM2). Based on the current evidence, this variant is classified as pathogenic for autosomal dominant childhood-onset dystonia 28.

CeGaT Center for Human Genetics Tuebingen
Classification: Pathogenic. Last evaluated: 2024-01-01. Review status: criteria provided, single submitter. Criteria: CeGaT Center For Human Genetics Tuebingen Variant Classification Criteria Version 2. Collection method: clinical testing. Allele origin: germline. Affected: yes. Observed: 1 variant allele.
Comment: KMT2B: PVS1, PM2, PS4:Supporting

3billion
Classification: Pathogenic for Dystonia 28, childhood-onset. Last evaluated: 2022-05-22. Review status: criteria provided, single submitter. Criteria: ACMG Guidelines, 2015. Collection method: clinical testing. Allele origin: germline. Affected: yes. Observed: 1 heterozygote.
Comment: The variant is not observed in the gnomAD v2.1.1 dataset. Frameshift: predicted to result in a loss or disruption of normal protein function through nonsense-mediated decay (NMD) or protein truncation. Multiple pathogenic variants are reported downstream of the variant. The variant has been reported to be associated with KMT2B related disorder (PMID: 33150406). Therefore, this variant is classified as pathogenic according to the recommendation of ACMG/AMP guideline.

Revvity Omics, Revvity
Classification: Pathogenic. Last evaluated: 2022-04-20. Review status: criteria provided, single submitter. Criteria: ACMG Guidelines, 2015. Collection method: clinical testing. Allele origin: germline.

Literature cited by the submitters: PubMed 32634684 (cited by Variantyx, Inc.); PubMed 27839873 (cited by Variantyx, Inc.); PubMed 38743022 (cited by Variantyx, Inc.); PubMed 33150406 (cited by 3billion).